The following is an entry in ClinVar:

NM_001353214.3(DYM):c.2170G>A (p.Asp724Asn)

Genes: DYM (dymeclin; minus strand), DYM-AS1 (DYM antisense RNA 1; plus strand). Cytogenetic location: 18q21.1.
Variant type: single nucleotide variant.
Coding change: c.2170G>A on transcript NM_001353214.3 (MANE Select); coding-DNA position 2170, G replaced by A.
Protein change: p.Asp724Asn; replaces aspartic acid 724 with asparagine.
Molecular consequence: missense variant. On other transcripts: 3 prime UTR variant (2).
Genome position (GRCh38, 1-based): chr18:49,044,060, C>T on the plus strand (G>A on the coding strand, the complement: DYM is on the minus strand). VCF-style: chr18-49044060-C-T. GRCh37 (hg19) VCF-style: chr18-46570430-C-T.
Other names: c.2002G>A, p.Asp668Asn (NM_001353210.3, NM_001353211.3); c.2167G>A, p.Asp723Asn (NM_001353212.3, NM_001353213.3); c.1987G>A, p.Asp663Asn (NM_001353215.3); c.1822G>A, p.Asp608Asn (NM_001353216.3, NM_001374437.1); c.2170G>A, p.Asp724Asn (NM_001374428.1); c.2164G>A, p.Asp722Asn (NM_001374429.1); c.*129G>A (NM_001374430.1, NM_001374433.1); c.2056G>A, p.Asp686Asn (NM_001374431.1); and 12 more; short protein forms D418N, D478N, D479N, D534N, D593N, D606N, D607N, D608N.
Identifiers: ClinVar variation 1702397 (VCV001702397.6), dbSNP rs780336634, ClinGen allele CA8957895.
Genomic context (GRCh38, chr18:49,044,060, plus strand): 5'-AAGAACTTGAAGGGCTGCTTGGCTGGAGGGGTCCGGGTGGGAGAGCATCCTGCCCTCAGT[C>T]GGAATCCATGGTGAACAGCTGGATGTCCTGTGGATTCCAGTACAGGCCGACTGCTGAGTT-3'
Protein context (NP_001340143.1, residues 714-724): QDIQLFTMDS[Asp724Asn]

ClinVar aggregate classification (germline): Uncertain significance. Review status: criteria provided, multiple submitters, no conflicts (2 of 4 stars). 2 submissions from 2 submitters: Uncertain significance (2). Last evaluated 2021-11-29.

Conditions:
Inborn genetic diseases. Identifiers: MedGen C0950123, MeSH D030342.
Connective tissue disorder. Also called: Connective tissue disease. Identifiers: MedGen C0009782, MONDO:0003900.

gnomAD v4.1: 144 of 1,613,118 alleles (0.0089%); highest among the groups gnomAD compares: Non-Finnish European, 0.012%; no homozygotes.

Submissions (2):

Genome Diagnostics Laboratory, The Hospital for Sick Children
Classification: Uncertain significance for Connective tissue disorder. Last evaluated: 2021-11-29. Review status: criteria provided, single submitter. Criteria: ACMG Guidelines, 2015. Collection method: clinical testing. Allele origin: germline.

Ambry Genetics
Classification: Uncertain significance for Inborn genetic diseases. Last evaluated: 2021-01-28. Review status: criteria provided, single submitter. Criteria: Ambry Variant Classification Scheme 2023. Collection method: clinical testing. Allele origin: germline.
Comment: The c.2005G>A (p.D669N) alteration is located in exon 17 (coding exon 16) of the DYM gene. This alteration results from a G to A substitution at nucleotide position 2005, causing the aspartic acid (D) at amino acid position 669 to be replaced by an asparagine (N). The p.D669N alteration is predicted to be tolerated by in silico analysis. Based on insufficient or conflicting evidence, the clinical significance of this alteration remains unclear.